The following is an entry in ClinVar:

ClinVar aggregate classification (germline): Uncertain significance (1 of 4 stars; one submission).

Conditions:
Seizures, early-onset, with neurodegeneration and brain calcifications. Identifiers: MedGen C5394359, MONDO:0030033, OMIM 618875.

Allele frequency attached by ClinVar (database versions not stated): TOPMed below 0.00001; ExAC 0.00001; gnomAD exomes 0.00002.
gnomAD v4.1: 28 of 1,602,412 alleles (0.0017%); highest among the groups gnomAD compares: East Asian, 0.0022%; no homozygotes.

Submission:

Laboratorio de Genetica e Diagnostico Molecular, Hospital Israelita Albert Einstein
Classification: Uncertain significance for Seizures, early-onset, with neurodegeneration and brain calcifications. Last evaluated: 2023-01-05. Review status: criteria provided, single submitter. Criteria: ACMG Guidelines, 2015. Collection method: clinical testing. Allele origin: germline. Affected: yes.
Comment: ACMG classification criteria: PM2 moderated

NM_198565.3(NRROS):c.109-4G>A

Gene: NRROS (negative regulator of reactive oxygen species; plus strand). Cytogenetic location: 3q29.
Variant type: single nucleotide variant.
Coding change: c.109-4G>A on transcript NM_198565.3 (MANE Select); 4 bases into the intron before coding-DNA position 109, G replaced by A.
Molecular consequence: intron variant.
Genome position (GRCh38, 1-based): chr3:196,659,748, G>A. VCF-style: chr3-196659748-G-A. GRCh37 (hg19) VCF-style: chr3-196386619-G-A.
Identifiers: ClinVar variation 2431480 (VCV002431480.2), dbSNP rs199961460, ClinGen allele CA2781646.